The following is an entry in ClinVar:

NM_001267550.2(TTN):c.76446_76447del (p.Ala25483fs)

Genes: TTN (titin; minus strand), TTN-AS1 (TTN antisense RNA 1; plus strand). Cytogenetic location: 2q31.2.
Variant type: Microsatellite.
Coding change: c.76446_76447del on transcript NM_001267550.2 (MANE Select); coding-DNA positions 76446 to 76447, 2 bases deleted (TG; older notation c.76446_76447delTG).
Protein change: p.Ala25483fs; shifts the reading frame from alanine 25483.
Molecular consequence: frameshift variant.
Genome position (GRCh38, 1-based): chr2:178,569,685-178,569,686, CA deleted on the plus strand (TG on the coding strand, the reverse complement: TTN is on the minus strand); deleting any 2 consecutive bases within chr2:178,569,685-178,569,688 gives the same sequence; the c. name uses the placement nearest the transcript's 3' end. VCF-style (leftmost placement, unchanged base first): chr2-178569684-GCA-G. GRCh37 (hg19) VCF-style: chr2-179434411-GCA-G.
Other names: c.49251_49252delTG (NM_003319.4); c.71523_71524del, p.Ala23842fs (NM_001256850.1); c.49251_49252del, p.Ala16418fs (NM_003319.4); c.68742_68743del, p.Ala22915fs (NM_133378.4); c.49626_49627del, p.Ala16543fs (NM_133432.3); c.49827_49828del, p.Ala16610fs (NM_133437.4); short protein forms A25483fs, A16543fs, A16610fs, A23842fs, A22915fs, A16418fs.
Identifiers: ClinVar variation 949334 (VCV000949334.13), dbSNP rs1707425522, ClinGen allele CA1310530637.

ClinVar aggregate classification (germline): Likely pathogenic. Review status: criteria provided, multiple submitters, no conflicts (2 of 4 stars). 2 submissions from 2 submitters: Likely pathogenic (2). Last evaluated 2025-08-29.

Conditions:
Autosomal recessive limb-girdle muscular dystrophy type 2J (LGMDR10). Also called: Limb-girdle muscular dystrophy, type 2J; MUSCULAR DYSTROPHY, LIMB-GIRDLE, AUTOSOMAL RECESSIVE 10. Identifiers: Orphanet 140922, MedGen C1837342, MONDO:0012127, OMIM 608807.
Dilated cardiomyopathy 1G (CMD1G). Identifiers: Orphanet 154, MedGen C1858763, MONDO:0011400, OMIM 604145.
Cardiovascular phenotype. Identifiers: MedGen CN230736.

Submissions (2):

Labcorp Genetics (formerly Invitae), Labcorp
Classification: Likely pathogenic for Dilated cardiomyopathy 1G; Autosomal recessive limb-girdle muscular dystrophy type 2J. Last evaluated: 2025-08-29. Review status: criteria provided, single submitter. Criteria: Invitae Variant Classification Sherloc (09022015). Collection method: clinical testing. Allele origin: germline.
Comment: This sequence change creates a premature translational stop signal (p.Ala25483Tyrfs*2) in the TTN gene. While this is not anticipated to result in nonsense mediated decay, it is expected to create a truncated TTN protein. This variant is not present in population databases (gnomAD no frequency). This premature translational stop signal has been observed in individual(s) with dilated cardiomyopathy (internal data). ClinVar contains an entry for this variant (Variation ID: 949334). This variant is located in the A band of TTN (PMID: 25589632). Truncating variants in this region are significantly overrepresented in patients affected with dilated cardiomyopathy (PMID: 25589632). Truncating variants in this region have also been reported in individuals affected with autosomal recessive centronuclear myopathy (PMID: 23975875). In summary, the currently available evidence indicates that the variant is pathogenic, but additional data are needed to prove that conclusively. Therefore, this variant has been classified as Likely Pathogenic.

Ambry Genetics
Classification: Likely pathogenic for Cardiovascular phenotype. Last evaluated: 2023-08-03. Review status: criteria provided, single submitter. Criteria: Ambry Variant Classification Scheme 2023. Collection method: clinical testing. Allele origin: germline.
Comment: The c.49251_49252delTG variant, located in coding exon 153 of the TTN gene, results from a deletion of two nucleotides at nucleotide positions 49251 to 49252, causing a translational frameshift with a predicted alternate stop codon (p.A16418Yfs*2). This exon is located in the A-band region of the N2-B isoform of the titin protein and is constitutively expressed in TTN transcripts (percent spliced in or PSI 100%). This variant is considered to be rare based on population cohorts in the Genome Aggregation Database (gnomAD). This alteration is expected to result in loss of function by premature protein truncation or nonsense-mediated mRNA decay. While truncating variants in TTN are present in 1-3% of the general population, truncating variants in the A-band are the most common cause of dilated cardiomyopathy (DCM) (Herman DS et al. N. Engl. J. Med., 2012 Feb;366:619-28; Roberts AM et al. Sci Transl Med, 2015 Jan;7:270ra6). TTN truncating variants encoded in constitutive exons (PSI >90%) have been found to be significantly associated with DCM regardless of their position in titin (Schafer S et al. Nat. Genet., 2017 01;49:46-53). As such, this alteration is classified as likely pathogenic.

Literature cited by the submitters: PubMed 25589632 (cited by Labcorp Genetics (formerly Invitae), Labcorp); PubMed 23975875 (cited by Labcorp Genetics (formerly Invitae), Labcorp).